The following is an entry in ClinVar:

ClinVar aggregate classification (germline): Uncertain significance (1 of 4 stars; one submission).

Submission:

Labcorp Genetics (formerly Invitae), Labcorp
Classification: Uncertain significance. Last evaluated: 2022-03-11. Review status: criteria provided, single submitter. Criteria: Invitae Variant Classification Sherloc (09022015). Collection method: clinical testing. Allele origin: germline.
Comment: In summary, the available evidence is currently insufficient to determine the role of this variant in disease. Therefore, it has been classified as a Variant of Uncertain Significance. Algorithms developed to predict the effect of missense changes on protein structure and function (SIFT, PolyPhen-2, Align-GVGD) all suggest that this variant is likely to be tolerated. This variant has not been reported in the literature in individuals affected with NAF1-related conditions. This variant is not present in population databases (gnomAD no frequency). This sequence change replaces glutamic acid, which is acidic and polar, with glycine, which is neutral and non-polar, at codon 12 of the NAF1 protein (p.Glu12Gly).

NM_138386.3(NAF1):c.35A>G (p.Glu12Gly)

Gene: NAF1 (nuclear assembly factor 1 ribonucleoprotein; minus strand). Cytogenetic location: 4q32.2.
Variant type: single nucleotide variant.
Coding change: c.35A>G on transcript NM_138386.3 (MANE Select); coding-DNA position 35, A replaced by G.
Protein change: p.Glu12Gly; replaces glutamic acid 12 with glycine.
Molecular consequence: missense variant.
Genome position (GRCh38, 1-based): chr4:163,166,693, T>C on the plus strand (A>G on the coding strand, the complement: NAF1 is on the minus strand). VCF-style: chr4-163166693-T-C. GRCh37 (hg19) VCF-style: chr4-164087845-T-C.
Other names: c.35A>G, p.Glu12Gly (NM_001128931.2); short protein forms E12G.
Identifiers: ClinVar variation 1958130 (VCV001958130.5), dbSNP rs1360916968, ClinGen allele CA358662080.